The following is an entry in ClinVar:

NM_020928.2(ZSWIM6):c.1269G>C (p.Leu423=)

Gene: ZSWIM6 (zinc finger SWIM-type containing 6; plus strand). Cytogenetic location: 5q12.1.
Variant type: single nucleotide variant.
Coding change: c.1269G>C on transcript NM_020928.2 (MANE Select); coding-DNA position 1269, G replaced by C.
Protein change: p.Leu423=; no amino-acid change (leucine 423 retained).
Molecular consequence: synonymous variant.
Genome position (GRCh38, 1-based): chr5:61,494,346, G>C. VCF-style: chr5-61494346-G-C. GRCh37 (hg19) VCF-style: chr5-60790173-G-C.
Identifiers: ClinVar variation 2968716 (VCV002968716.9), dbSNP rs1420409113, ClinGen allele CA444556507.

ClinVar aggregate classification (germline): Likely benign. Review status: criteria provided, multiple submitters, no conflicts (2 of 4 stars). 2 submissions from 2 submitters: Likely benign (2). Last evaluated 2025-11-09.

Allele frequency attached by ClinVar (database versions not stated): gnomAD 0.00001; gnomAD exomes 0.00001; TOPMed 0.00001.
gnomAD v4.1: 9 of 1,551,056 alleles (0.00058%); highest among the groups gnomAD compares: Admixed American, 0.018%; no homozygotes.

Submissions (2):

Labcorp Genetics (formerly Invitae), Labcorp
Classification: Likely benign. Last evaluated: 2025-11-09. Review status: criteria provided, single submitter. Criteria: Invitae Variant Classification Sherloc (09022015). Collection method: clinical testing. Allele origin: germline.

CeGaT Center for Human Genetics Tuebingen
Classification: Likely benign. Last evaluated: 2025-10-01. Review status: criteria provided, single submitter. Criteria: CeGaT Center For Human Genetics Tuebingen Variant Classification Criteria Version 2. Collection method: clinical testing. Allele origin: germline. Affected: yes. Observed: 1 variant allele.
Comment: ZSWIM6: BP4, BP7